The following is an entry in ClinVar:

ClinVar aggregate classification (germline): Uncertain significance. Review status: criteria provided, multiple submitters, no conflicts (2 of 4 stars). 3 submissions from 3 submitters: Uncertain significance (3). Last evaluated 2023-12-04.

Conditions:
Hereditary cancer-predisposing syndrome. Also called: Tumor predisposition; Hereditary neoplastic syndrome; Hereditary Cancer Syndrome; Neoplastic Syndromes, Hereditary. Identifiers: Orphanet 140162, MedGen C0027672, MeSH D009386, MONDO:0015356.

gnomAD v4.1: 1 of 1,614,118 alleles (0.000062%); highest among the groups gnomAD compares: Non-Finnish European, 0.000085%; no homozygotes.

Submissions (3):

Color Diagnostics, LLC DBA Color Health
Classification: Uncertain significance for Hereditary cancer-predisposing syndrome. Last evaluated: 2023-12-04. Review status: criteria provided, single submitter. Criteria: ACMG Guidelines, 2015. Collection method: clinical testing. Allele origin: germline.
Comment: This missense variant replaces threonine with isoleucine at codon 211 of the CDH1 protein. To our knowledge, functional studies have not been reported for this variant. This variant has not been reported in individuals affected with hereditary cancer in the literature. This variant has not been identified in the general population by the Genome Aggregation Database (gnomAD). The available evidence is insufficient to determine the role of this variant in disease conclusively. Therefore, this variant is classified as a Variant of Uncertain Significance.

GeneDx
Classification: Uncertain significance. Last evaluated: 2021-04-19. Review status: criteria provided, single submitter. Criteria: GeneDx Variant Classification Process June 2021. Collection method: clinical testing. Allele origin: germline. Affected: yes.
Comment: Not observed in large population cohorts (Lek 2016); In silico analysis supports that this missense variant has a deleterious effect on protein structure/function; Has not been previously published as pathogenic or benign to our knowledge

Ambry Genetics
Classification: Uncertain significance for Hereditary cancer-predisposing syndrome. Last evaluated: 2020-02-18. Review status: criteria provided, single submitter. Criteria: Ambry Variant Classification Scheme 2023. Collection method: clinical testing. Allele origin: germline.
Comment: The p.T211I variant (also known as c.632C>T), located in coding exon 5 of the CDH1 gene, results from a C to T substitution at nucleotide position 632. The threonine at codon 211 is replaced by isoleucine, an amino acid with similar properties. This amino acid position is not well conserved in available vertebrate species. In addition, the in silico prediction for this alteration is inconclusive. Since supporting evidence is limited at this time, the clinical significance of this alteration remains unclear.

NM_004360.5(CDH1):c.632C>T (p.Thr211Ile)

Gene: CDH1 (cadherin 1; plus strand). Cytogenetic location: 16q22.1.
Variant type: single nucleotide variant.
Coding change: c.632C>T on transcript NM_004360.5 (MANE Select); coding-DNA position 632, C replaced by T.
Protein change: p.Thr211Ile; replaces threonine 211 with isoleucine.
Molecular consequence: missense variant. On other transcripts: 5 prime UTR variant (2).
Genome position (GRCh38, 1-based): chr16:68,808,793, C>T. VCF-style: chr16-68808793-C-T. GRCh37 (hg19) VCF-style: chr16-68842696-C-T.
Other names: c.632C>T, p.Thr211Ile (NM_001317184.2); c.-984C>T (NM_001317185.2); c.-1188C>T (NM_001317186.2); short protein forms T211I.
Identifiers: ClinVar variation 1171553 (VCV001171553.8), dbSNP rs2152130211, ClinGen allele CA396458050.